The following is an entry in ClinVar:

NM_000135.4(FANCA):c.3165G>A (p.Arg1055=)

Gene: FANCA (FA complementation group A; minus strand). Cytogenetic location: 16q24.3.
Variant type: single nucleotide variant.
Coding change: c.3165G>A on transcript NM_000135.4 (MANE Select); coding-DNA position 3165, G replaced by A.
Protein change: p.Arg1055=; no amino-acid change (arginine 1055 retained).
Molecular consequence: synonymous variant.
Genome position (GRCh38, 1-based): chr16:89,749,804, C>T on the plus strand (G>A on the coding strand, the complement: FANCA is on the minus strand). VCF-style: chr16-89749804-C-T. GRCh37 (hg19) VCF-style: chr16-89816212-C-T.
Other names: c.3165G>A, p.Arg1055= (NM_001286167.3).
Identifiers: ClinVar variation 3036247 (VCV003036247.2), dbSNP rs1324556669, ClinGen allele CA497196179.

ClinVar aggregate classification (germline): Likely benign (0 of 4 stars; one submission).

Conditions:
FANCA-related disorder. Also called: FANCA-related condition.

Allele frequency attached by ClinVar (database versions not stated): gnomAD exomes below 0.00001; gnomAD 0.00001.
gnomAD v4.1: 3 of 1,614,088 alleles (0.00019%); highest among the groups gnomAD compares: Non-Finnish European, 0.00025%; no homozygotes.

Submission:

PreventionGenetics, part of Exact Sciences
Classification: Likely benign for FANCA-related condition. Last evaluated: 2020-06-09. Review status: no assertion criteria provided. Collection method: clinical testing. Allele origin: germline.
Comment: This variant is classified as likely benign based on ACMG/AMP sequence variant interpretation guidelines (Richards et al. 2015 PMID: 25741868, with internal and published modifications).